The following is an entry in ClinVar:

NM_001365536.1(SCN9A):c.1448A>C (p.Lys483Thr)

Genes: SCN1A-AS1 (SCN1A and SCN9A antisense RNA 1; plus strand), SCN9A (sodium voltage-gated channel alpha subunit 9; minus strand). Cytogenetic location: 2q24.3.
Variant type: single nucleotide variant.
Coding change: c.1448A>C on transcript NM_001365536.1 (MANE Select); coding-DNA position 1448, A replaced by C.
Protein change: p.Lys483Thr; replaces lysine 483 with threonine.
Molecular consequence: missense variant.
Genome position (GRCh38, 1-based): chr2:166,286,490, T>G on the plus strand (A>C on the coding strand, the complement: SCN9A is on the minus strand). VCF-style: chr2-166286490-T-G. GRCh37 (hg19) VCF-style: chr2-167143000-T-G.
Other names: c.1448A>C, p.Lys483Thr (NM_002977.4); short protein forms K483T.
Identifiers: ClinVar variation 3761693 (VCV003761693.2).

ClinVar aggregate classification (germline): Uncertain significance (1 of 4 stars; one submission).

Conditions:
Neuropathy, hereditary sensory and autonomic, type 2A (HSAN2A). Also called: HSAN IIA; ACROOSTEOLYSIS, GIACCAI TYPE; ACROOSTEOLYSIS, NEUROGENIC; MORVAN DISEASE; NEUROPATHY, CONGENITAL SENSORY; NEUROPATHY, HEREDITARY SENSORY RADICULAR, AUTOSOMAL RECESSIVE. Identifiers: Orphanet 970, MedGen C2752089, MONDO:0024309, OMIM 201300.
Generalized epilepsy with febrile seizures plus, type 7 (GEFSP7). Also called: GEFS+, TYPE 7. Identifiers: Orphanet 36387, MedGen C2751778, MONDO:0013470, OMIM 613863.

gnomAD v4.1: 1 of 1,613,658 alleles (0.000062%); highest among the groups gnomAD compares: African/African-American, 0.0013%; no homozygotes.

Submission:

Labcorp Genetics (formerly Invitae), Labcorp
Classification: Uncertain significance for Neuropathy, hereditary sensory and autonomic, type 2A; Generalized epilepsy with febrile seizures plus, type 7. Last evaluated: 2024-09-05. Review status: criteria provided, single submitter. Criteria: Invitae Variant Classification Sherloc (09022015). Collection method: clinical testing. Allele origin: germline.
Comment: This sequence change replaces lysine, which is basic and polar, with threonine, which is neutral and polar, at codon 483 of the SCN9A protein (p.Lys483Thr). This variant is present in population databases (no rsID available, gnomAD no frequency). This variant has not been reported in the literature in individuals affected with SCN9A-related conditions. Invitae Evidence Modeling of protein sequence and biophysical properties (such as structural, functional, and spatial information, amino acid conservation, physicochemical variation, residue mobility, and thermodynamic stability) indicates that this missense variant is not expected to disrupt SCN9A protein function with a negative predictive value of 95%. In summary, the available evidence is currently insufficient to determine the role of this variant in disease. Therefore, it has been classified as a Variant of Uncertain Significance.